The following is an entry in ClinVar:

ClinVar aggregate classification (germline): Likely benign (1 of 4 stars; one submission).

Conditions:
Fabry disease. Also called: ALPHA-GALACTOSIDASE A DEFICIENCY; ANDERSON-FABRY DISEASE; CERAMIDE TRIHEXOSIDASE DEFICIENCY; GLA DEFICIENCY; HEREDITARY DYSTOPIC LIPIDOSIS; Angiokeratoma corporis diffusum. Identifiers: Orphanet 324, MedGen C0002986, MONDO:0010526, OMIM 301500, HP:0001071. Disease mechanism: Fabry disease is due to inactivating mutations in the X-linked GLA gene resulting in deficiency of the enzyme Alpha Galactosidase-A., loss of function.

gnomAD v4.1: 438 of 315,543 alleles (0.14%); highest among the groups gnomAD compares: Non-Finnish European, 0.22%; no homozygotes.

Submission:

Genomenon, Inc
Classification: Likely benign for Fabry disease. Last evaluated: 2026-09-08. Review status: criteria provided, single submitter. Criteria: Genomenon Sequence Variant Interpretation Standards - Updated. Collection method: curation. Allele origin: germline. Affected: no.
Comment: GLA c.548-162A>T is an intronic variant located in intron 3. This variant has been reported in the published literature (PMID:34118938). This variant is not predicted to impact splicing. This variant's allele frequency in gnomAD is greater than expected for this disorder. In conclusion, we classify GLA c.548-162A>T as a likely benign variant.

Literature cited by the submitters: PubMed 34118938.

NM_000169.3(GLA):c.548-162A>T

Genes: GLA (galactosidase alpha; minus strand), RPL36A-HNRNPH2 (RPL36A-HNRNPH2 readthrough; plus strand). Cytogenetic location: Xq22.1.
Variant type: single nucleotide variant.
Coding change: c.548-162A>T on transcript NM_000169.3 (MANE Select); 162 bases into the intron before coding-DNA position 548, A replaced by T.
Molecular consequence: intron variant. On other transcripts: 3 prime UTR variant (1).
Genome position (GRCh38, 1-based): chrX:101,400,919, T>A on the plus strand (A>T on the coding strand, the complement: GLA is on the minus strand). VCF-style: chrX-101400919-T-A. GRCh37 (hg19) VCF-style: chrX-100655907-T-A.
Other names: c.*624A>T (NM_001406749.1); c.300+5462T>A (NM_001199973.2); c.177+9097T>A (NM_001199974.2); c.671-162A>T (NM_001406747.1); c.548-162A>T (NM_001406748.1).
Identifiers: ClinVar variation 4087110 (VCV004087110.2), dbSNP rs782253202.